The following is an entry in ClinVar:

ClinVar aggregate classification (germline): Pathogenic (1 of 4 stars; one submission).

Submission:

Labcorp Genetics (formerly Invitae), Labcorp
Classification: Pathogenic. Last evaluated: 2023-09-19. Review status: criteria provided, single submitter. Criteria: Invitae Variant Classification Sherloc (09022015). Collection method: clinical testing. Allele origin: germline.
Comment: For these reasons, this variant has been classified as Pathogenic. This variant has not been reported in the literature in individuals affected with ADGRV1-related conditions. This variant is not present in population databases (gnomAD no frequency). This sequence change creates a premature translational stop signal (p.Ser2537Phefs*7) in the ADGRV1 gene. It is expected to result in an absent or disrupted protein product. Loss-of-function variants in ADGRV1 are known to be pathogenic (PMID: 19357117, 22135276, 22147658, 26226137, 30718709, 31047384, 32467589).

Literature cited by the submitters: PubMed 19357117; PubMed 22135276; PubMed 22147658; PubMed 26226137; PubMed 30718709; PubMed 31047384; PubMed 32467589.

NM_032119.4(ADGRV1):c.7609_7610del (p.Ser2537fs)

Gene: ADGRV1 (adhesion G protein-coupled receptor V1; plus strand). Cytogenetic location: 5q14.3.
Variant type: Microsatellite.
Coding change: c.7609_7610del on transcript NM_032119.4 (MANE Select); coding-DNA positions 7609 to 7610, 2 bases deleted (AG; older notation c.7609_7610delAG).
Protein change: p.Ser2537fs; shifts the reading frame from serine 2537.
Molecular consequence: frameshift variant. On other transcripts: non-coding transcript variant (1).
Genome position (GRCh38, 1-based): chr5:90,694,365-90,694,366, AG deleted; deleting any 2 consecutive bases within chr5:90,694,362-90,694,366 gives the same sequence; the c. name uses the placement nearest the transcript's 3' end. VCF-style (leftmost placement, unchanged base first): chr5-90694361-TGA-T. GRCh37 (hg19) VCF-style: chr5-89990178-TGA-T.
Other names: short protein forms S2537fs.
Identifiers: ClinVar variation 1455582 (VCV001455582.6), dbSNP rs2149642144, ClinGen allele CA2580613608.
Genomic context (GRCh38, chr5:90,694,361, plus strand): 5'-AGGTGATGAATTCGCAAATCTCACAGTGTCTATTCTTCCTGATGATTTCCCAGAGATGGA[TGA>T]GAGTTTTCTAATTTCTCTCCTTGAAGTTCACCTCATGAACATTTCAGCCAGTTTGAAAAA-3'